The following is an entry in ClinVar:

ClinVar aggregate classification (germline): Conflicting classifications of pathogenicity. Review status: criteria provided, conflicting classifications (1 of 4 stars). 2 submissions from 2 submitters: Uncertain significance (1); Likely benign (1). Last evaluated 2025-01-14.

Conditions:
Hereditary cancer-predisposing syndrome. Also called: Neoplastic Syndromes, Hereditary; Tumor predisposition; Hereditary Cancer Syndrome; Hereditary neoplastic syndrome. Identifiers: Orphanet 140162, MedGen C0027672, MeSH D009386, MONDO:0015356.
Gorlin syndrome. Also called: Nevoid Basal Cell Carcinoma Syndrome; Basal cell nevus syndrome. Identifiers: Orphanet 377, MedGen C0004779, MONDO:0007187.

Submissions (2):

Labcorp Genetics (formerly Invitae), Labcorp
Classification: Likely benign for Gorlin syndrome. Last evaluated: 2025-01-14. Review status: criteria provided, single submitter. Criteria: Invitae Variant Classification Sherloc (09022015). Collection method: clinical testing. Allele origin: germline.

Ambry Genetics
Classification: Uncertain significance for Hereditary cancer-predisposing syndrome. Last evaluated: 2020-09-10. Review status: criteria provided, single submitter. Criteria: Ambry Variant Classification Scheme 2023. Collection method: clinical testing. Allele origin: germline.
Comment: The c.3307-4A>G intronic variant results from an A to G substitution 4 nucleotides upstream from coding exon 20 in the PTCH1 gene. This nucleotide position is not well conserved in available vertebrate species. In silico splice site analysis predicts that this alteration will not have any significant effect on splicing. Since supporting evidence is limited at this time, the clinical significance of this alteration remains unclear.

NM_000264.5(PTCH1):c.3307-4A>G

Gene: PTCH1 (patched 1; minus strand). Cytogenetic location: 9q22.32.
Variant type: single nucleotide variant.
Coding change: c.3307-4A>G on transcript NM_000264.5 (MANE Select); 4 bases into the intron before coding-DNA position 3307, A replaced by G.
Molecular consequence: intron variant.
Genome position (GRCh38, 1-based): chr9:95,453,624, T>C on the plus strand (A>G on the coding strand, the complement: PTCH1 is on the minus strand). VCF-style: chr9-95453624-T-C. GRCh37 (hg19) VCF-style: chr9-98215906-T-C.
Other names: c.3304-4A>G (NM_001083603.3); c.3109-4A>G (NM_001083602.3); c.3151-4A>G (NM_001354918.2); c.2854-4A>G (NM_001083605.3, NM_001083604.3, NM_001083606.3 and 1 more transcripts).
Identifiers: ClinVar variation 1730027 (VCV001730027.4), dbSNP rs1554690494, ClinGen allele CA1865584251.